The following is an entry in ClinVar:

NM_033310.3(KCNK4):c.1072G>C (p.Gly358Arg)

Genes: KCNK4 (potassium two pore domain channel subfamily K member 4; plus strand), KCNK4-CATSPERZ (KCNK4-CATSPERZ readthrough (NMD candidate); plus strand). Cytogenetic location: 11q13.1.
Variant type: single nucleotide variant.
Coding change: c.1072G>C on transcript NM_033310.3 (MANE Select); coding-DNA position 1072, G replaced by C.
Protein change: p.Gly358Arg; replaces glycine 358 with arginine.
Molecular consequence: missense variant. On other transcripts: non-coding transcript variant (3).
Genome position (GRCh38, 1-based): chr11:64,299,616, G>C. VCF-style: chr11-64299616-G-C. GRCh37 (hg19) VCF-style: chr11-64067088-G-C.
Other names: c.1072G>C, p.Gly358Arg (NM_001317090.2, NM_033311.1); short protein forms G358R.
Identifiers: ClinVar variation 1942437 (VCV001942437.5), dbSNP rs751692181, ClinGen allele CA6073245.

ClinVar aggregate classification (germline): Uncertain significance (1 of 4 stars; one submission).

Allele frequency attached by ClinVar (database versions not stated): gnomAD exomes below 0.00001; TOPMed 0.00002.
gnomAD v4.1: 1 of 1,608,752 alleles (0.000062%); highest among the groups gnomAD compares: African/African-American, 0.0013%; no homozygotes.

Submission:

Labcorp Genetics (formerly Invitae), Labcorp
Classification: Uncertain significance. Last evaluated: 2022-10-16. Review status: criteria provided, single submitter. Criteria: Invitae Variant Classification Sherloc (09022015). Collection method: clinical testing. Allele origin: germline.
Comment: In summary, the available evidence is currently insufficient to determine the role of this variant in disease. Therefore, it has been classified as a Variant of Uncertain Significance. Experimental studies and prediction algorithms are not available or were not evaluated, and the functional significance of this variant is currently unknown. This variant has not been reported in the literature in individuals affected with KCNK4-related conditions. This variant is not present in population databases (gnomAD no frequency). This sequence change replaces glycine, which is neutral and non-polar, with arginine, which is basic and polar, at codon 358 of the KCNK4 protein (p.Gly358Arg).